The following is an entry in ClinVar:

ClinVar aggregate classification (germline): Likely benign. Review status: criteria provided, multiple submitters, no conflicts (2 of 4 stars). 3 submissions from 3 submitters: Likely benign (2). 1 of the submissions does not count toward it. Last evaluated 2024-12-18.

Conditions:
BSND-related disorder. Also called: BSND-related condition.
Bartter syndrome. Identifiers: Orphanet 112, MedGen C0004775, MONDO:0015231.

Allele frequency attached by ClinVar (database versions not stated): ExAC 0.00002; gnomAD exomes 0.00002 and 0.00005; gnomAD 0.00003; TOPMed 0.00003; ESP Exome Variant Server 0.00015.

Submissions (3):

PreventionGenetics, part of Exact Sciences
Classification: Likely benign for BSND-related condition. Last evaluated: 2024-12-18. Review status: criteria provided, single submitter. Criteria: ACMG Guidelines, 2015. Collection method: clinical testing. Allele origin: germline.
Comment: This variant is classified as likely benign based on ACMG/AMP sequence variant interpretation guidelines (Richards et al. 2015 PMID: 25741868, with internal and published modifications).

Labcorp Genetics (formerly Invitae), Labcorp
Classification: Likely benign. Last evaluated: 2024-03-04. Review status: criteria provided, single submitter. Criteria: Invitae Variant Classification Sherloc (09022015). Collection method: clinical testing. Allele origin: germline.

Natera, Inc.
Classification: Likely benign for Bartter syndrome. Last evaluated: 2020-06-12. Review status: no assertion criteria provided. Collection method: clinical testing. Allele origin: germline. Not counted in ClinVar's aggregate classification.

NM_057176.3(BSND):c.126C>T (p.Ser42=)

Gene: BSND (barttin CLCNK type accessory subunit beta; plus strand). Cytogenetic location: 1p32.3.
Variant type: single nucleotide variant.
Coding change: c.126C>T on transcript NM_057176.3 (MANE Select); coding-DNA position 126, C replaced by T.
Protein change: p.Ser42=; no amino-acid change (serine 42 retained).
Molecular consequence: synonymous variant.
Genome position (GRCh38, 1-based): chr1:54,999,312, C>T. VCF-style: chr1-54999312-C-T. GRCh37 (hg19) VCF-style: chr1-55464985-C-T.
Identifiers: ClinVar variation 745086 (VCV000745086.11), dbSNP rs138152773, ClinGen allele CA871224.